The following is an entry in ClinVar:

NM_000384.3(APOB):c.1182C>T (p.Ile394=)

Gene: APOB (apolipoprotein B; minus strand). Cytogenetic location: 2p24.1.
Variant type: single nucleotide variant.
Coding change: c.1182C>T on transcript NM_000384.3 (MANE Select); coding-DNA position 1182, C replaced by T.
Protein change: p.Ile394=; no amino-acid change (isoleucine 394 retained).
Molecular consequence: synonymous variant.
Genome position (GRCh38, 1-based): chr2:21,032,524, G>A on the plus strand (C>T on the coding strand, the complement: APOB is on the minus strand). VCF-style: chr2-21032524-G-A. GRCh37 (hg19) VCF-style: chr2-21255396-G-A.
Identifiers: ClinVar variation 3234207 (VCV003234207.22), dbSNP rs1663907158, ClinGen allele CA425342274.

ClinVar aggregate classification (germline): Likely benign. Review status: criteria provided, multiple submitters, no conflicts (2 of 4 stars). 2 submissions from 2 submitters: Likely benign (2). Last evaluated 2024-04-27.

Conditions:
Familial hypobetalipoproteinemia 1. Also called: APOB-Related Familial Hypobetalipoproteinemia; Hypobetalipoproteinemia, normotriglyceridemic; Acanthocytosis with hypobetalipoproteinemia. Identifiers: MedGen C4551990, MONDO:0014252, OMIM 615558.
Hypercholesterolemia, autosomal dominant, type B (FHCL2). Also called: Familial Hypercholesterolemia Type B; APOLIPOPROTEIN B-100, FAMILIAL DEFECTIVE; APOLIPOPROTEIN B-100, FAMILIAL LIGAND-DEFECTIVE; HYPERCHOLESTEROLEMIA, FAMILIAL, DUE TO LIGAND-DEFECTIVE APOLIPOPROTEIN B; Hyperlipoproteinemia Type IIb; Familial hypercholesterolemia 2. Identifiers: MedGen C1704417, MONDO:0007751, OMIM 144010.

Submissions (2):

Labcorp Genetics (formerly Invitae), Labcorp
Classification: Likely benign for Familial hypobetalipoproteinemia 1; Hypercholesterolemia, autosomal dominant, type B. Last evaluated: 2024-04-27. Review status: criteria provided, single submitter. Criteria: Invitae Variant Classification Sherloc (09022015). Collection method: clinical testing. Allele origin: germline.

CeGaT Center for Human Genetics Tuebingen
Classification: Likely benign. Last evaluated: 2024-04-01. Review status: criteria provided, single submitter. Criteria: CeGaT Center For Human Genetics Tuebingen Variant Classification Criteria Version 2. Collection method: clinical testing. Allele origin: germline. Affected: yes. Observed: 1 variant allele.
Comment: APOB: PM2:Supporting, BP4, BP7